The following is an entry in ClinVar:

ClinVar aggregate classification (germline): Uncertain significance (1 of 4 stars; one submission).

Allele frequency attached by ClinVar (database versions not stated): TOPMed below 0.00001; gnomAD 0.00001; gnomAD exomes 0.00001.
gnomAD v4.1: 17 of 1,613,968 alleles (0.0011%); highest among the groups gnomAD compares: Non-Finnish European, 0.0014%; no homozygotes.

Submission:

Labcorp Genetics (formerly Invitae), Labcorp
Classification: Uncertain significance. Last evaluated: 2024-09-28. Review status: criteria provided, single submitter. Criteria: Invitae Variant Classification Sherloc (09022015). Collection method: clinical testing. Allele origin: germline.
Comment: This sequence change replaces arginine, which is basic and polar, with threonine, which is neutral and polar, at codon 233 of the SERPING1 protein (p.Arg233Thr). This variant is present in population databases (no rsID available, gnomAD 0.002%). This variant has not been reported in the literature in individuals affected with SERPING1-related conditions. Invitae Evidence Modeling of protein sequence and biophysical properties (such as structural, functional, and spatial information, amino acid conservation, physicochemical variation, residue mobility, and thermodynamic stability) has been performed for this missense variant. However, the output from this modeling did not meet the statistical confidence thresholds required to predict the impact of this variant on SERPING1 protein function. In summary, the available evidence is currently insufficient to determine the role of this variant in disease. Therefore, it has been classified as a Variant of Uncertain Significance.

NM_000062.3(SERPING1):c.698G>C (p.Arg233Thr)

Gene: SERPING1 (serpin family G member 1; plus strand). Cytogenetic location: 11q12.1.
Variant type: single nucleotide variant.
Coding change: c.698G>C on transcript NM_000062.3 (MANE Select); coding-DNA position 698, G replaced by C.
Protein change: p.Arg233Thr; replaces arginine 233 with threonine.
Molecular consequence: missense variant.
Genome position (GRCh38, 1-based): chr11:57,606,022, G>C. VCF-style: chr11-57606022-G-C. GRCh37 (hg19) VCF-style: chr11-57373495-G-C.
Other names: c.698G>C, p.Arg233Thr (NM_001032295.2); short protein forms R233T.
Identifiers: ClinVar variation 2738393 (VCV002738393.3), dbSNP rs1486614831, ClinGen allele CA380698551.
Genomic context (GRCh38, chr11:57,606,022, plus strand): 5'-GAACGACGTGTTCAGGACTCATGCCTCCCTTTCTCAACATACCCCCAGACCTGGCCATAA[G>C]GGACACCTTTGTGAATGCCTCTCGGACCCTGTACAGCAGCAGCCCCAGAGTCCTAAGCAA-3'
Protein context (NP_000053.2, residues 223-243): QIFHSPDLAI[Arg233Thr]DTFVNASRTL